The following is an entry in ClinVar:

ClinVar aggregate classification (germline): Conflicting classifications of pathogenicity. Review status: criteria provided, conflicting classifications (1 of 4 stars). 7 submissions from 7 submitters: Pathogenic (1); Likely pathogenic (1); Uncertain significance (4). 1 of the submissions does not count toward it. Last evaluated 2025-09-05.

Conditions:
USH2A-related disorder. Also called: USH2A-related condition; USH2A-related disorders. Identifiers: MedGen CN239332.
Usher syndrome type 2A. Also called: RETINAL DISEASE IN USHER SYNDROME TYPE IIA, MODIFIER OF; USHER SYNDROME, TYPE IIA. Identifiers: Orphanet 231178, Orphanet 886, MedGen C1848634, MONDO:0010169, OMIM 276901.
Retinitis pigmentosa (RP). Identifiers: Orphanet 791, MedGen C0035334, MeSH D012174, MONDO:0019200, OMIM 268000. Inheritance: Autosomal dominant, autosomal recessive and X linked inheritance.
Retinitis pigmentosa 39 (RP39). Identifiers: Orphanet 791, MedGen C3151138, MONDO:0013436, OMIM 613809.

Allele frequency attached by ClinVar (database versions not stated): gnomAD exomes below 0.00001; TOPMed 0.00001.
gnomAD v4.1: 1 of 1,614,030 alleles (0.000062%); highest among the groups gnomAD compares: Non-Finnish European, 0.000085%; no homozygotes.

Submissions (7):

3billion
Classification: Uncertain significance for Usher syndrome type 2A. Last evaluated: 2025-09-05. Review status: criteria provided, single submitter. Criteria: ACMG Guidelines, 2015. Collection method: clinical testing. Allele origin: germline. Affected: yes.
Comment: The variant is observed at an extremely low frequency in the gnomAD v4.1.0 dataset (total allele frequency: <0.001%). Predicted Consequence/Location: Missense variant In silico tool predictions suggest damaging effect of the variant on gene or gene product [REVEL: 0.67 (>=0.6, sensitivity 0.68 and specificity 0.92)]. The same nucleotide change resulting in the same amino acid change has been previously reported as pathogenic/likely pathogenic with strong evidence (ClinVar ID: VCV000438028 /PMID: 25133613). Therefore, this variant is classified as VUS according to the recommendation of ACMG/AMP guideline.

Women's Health and Genetics/Laboratory Corporation of America, LabCorp
Classification: Uncertain significance. Last evaluated: 2025-06-04. Review status: criteria provided, single submitter. Criteria: LabCorp Variant Classification Summary - May 2015. Collection method: clinical testing. Allele origin: germline.
Comment: Variant summary: USH2A c.8284C>G (p.Pro2762Ala) results in a non-conservative amino acid change located in the Fibronectin type III domain (IPR003961) of the encoded protein sequence. Algorithms developed to predict the effect of missense changes on protein structure and function are either unavailable or do not agree on the potential impact of this missense change. The variant was absent in 248630 control chromosomes. c.8284C>G has been observed in individual(s) affected with Inherited Retinal Disease/Retinitis Pigmentosa or Usher Syndrome (e.g. Chen_2014, Sun_2018, Zampagalione_2020, Gao_2021, Zhu_2021, Li_2022, Jin_2023, Li_2023, Lin_2024). However, in many cases the phase of the variants found was not indicated, while some cases had a pathogenic/likely pathogenic variant (c.9958G>T/p.Gly3320Cys) in cis. These data indicate that the variant may be associated with disease. To our knowledge, no experimental evidence demonstrating an impact on protein function has been reported. The following publications have been ascertained in the context of this evaluation (PMID: 25133613, 32188678, 36464167, 36729443, 36110214, 38219857, 29625443, 32037395, 32675063). ClinVar contains an entry for this variant (Variation ID: 438028). Based on the evidence outlined above, the variant was classified as VUS-possibly pathogenic.

PreventionGenetics, part of Exact Sciences
Classification: Uncertain significance for USH2A-related condition. Last evaluated: 2025-05-29. Review status: criteria provided, single submitter. Criteria: ACMG Guidelines, 2015. Collection method: clinical testing. Allele origin: germline.
Comment: The USH2A c.8284C>G variant is predicted to result in the amino acid substitution p.Pro2762Ala. This variant is frequently observed together with c.9958G>T, p.(Gly3320Cys) (in cis as a complex allele, in trans, and phase unknown) along with a third causative USH2A variant in individuals with USH2A-related conditions (see for example, Table S2, Zhu et al. 2020. PubMed ID: 32675063; Table S4 & S7, Liu et al. 2020. PubMed ID: 33090715; Table S4, Sun et al. 2018. PubMed ID: 29625443; Wang et al. 2025. doi: 10.1155/humu/6391770; Table S3, Ogorodova et al. 2024. PubMed ID: 39596236; Table S2, Li et al. 2022. PubMed ID: 36110214; Meng et al. 2020. PubMed ID: 33124170). Additionally, these two variants, p.(Gly3320Cys) and p.(Pro2762Ala), have been reported in the homozygous state in an individual with RP (Chen et al. 2014. PubMed ID: 25133613). This variant has also been observed along with a second causative USH2A variant or in trans with c.8284C>G, p.(Gly3320Cys) without a third USH2A variant in individuals with USH2A-related conditions (Table S2, Zhu et al. 2020. PubMed ID: 32675063; Meng et al. 2020. PubMed ID: 33124170). This variant has not been reported in a large population database (gnomAD), indicating this variant is rare. Although we suspect this variant may be pathogenic, at this time, the clinical significance of the c.8284C>G, p.(Pro2762Ala) variant is uncertain when observed alone. Given the evidence, we interpret the complex allele p.[Gly3320Cys;Pro2762Ala] as likely pathogenic.

Labcorp Genetics (formerly Invitae), Labcorp
Classification: Uncertain significance. Last evaluated: 2023-11-27. Review status: criteria provided, single submitter. Criteria: Invitae Variant Classification Sherloc (09022015). Collection method: clinical testing. Allele origin: germline.
Comment: This sequence change replaces proline, which is neutral and non-polar, with alanine, which is neutral and non-polar, at codon 2762 of the USH2A protein (p.Pro2762Ala). This variant is not present in population databases (gnomAD no frequency). This missense change has been observed in individuals with USH2A-related conditions (PMID: 28041643, 29625443, 32037395, 32188678, 32675063, 33090715, 33124170). ClinVar contains an entry for this variant (Variation ID: 438028). Advanced modeling of protein sequence and biophysical properties (such as structural, functional, and spatial information, amino acid conservation, physicochemical variation, residue mobility, and thermodynamic stability) has been performed at Invitae for this missense variant, however the output from this modeling did not meet the statistical confidence thresholds required to predict the impact of this variant on USH2A protein function. In summary, the available evidence is currently insufficient to determine the role of this variant in disease. Therefore, it has been classified as a Variant of Uncertain Significance.

Ocular Genomics Institute, Massachusetts Eye and Ear
Classification: Likely pathogenic for Retinitis pigmentosa 39. Last evaluated: 2021-04-08. Review status: criteria provided, single submitter. Criteria: ACMG Guidelines, 2015. Collection method: research. Allele origin: germline. Affected: yes.
Comment: Through a review of available evidence we were able to apply the following criteria: PS1, PM2, PM3. Based on this evidence we have classified this variant as Likely Pathogenic.

Juno Genomics, Hangzhou Juno Genomics, Inc
Classification: Pathogenic for Usher syndrome type 2A. Review status: criteria provided, single submitter. Criteria: ACMG Guidelines, 2015. Collection method: clinical testing. Allele origin: germline.
Comment: Absent from controls (or at extremely low frequency if recessive) in Genome Aggregation Database.;Multiple lines of computational evidence support a deleterious effect on the gene or gene product.;For recessive disorders, detected in trans with a pathogenic variant.;Patient's phenotype or family history is highly specific for a disease with a single genetic etiology.

NIHR Bioresource Rare Diseases, University of Cambridge
Classification: Uncertain significance for Retinitis pigmentosa. Last evaluated: 2015-01-01. Review status: no assertion criteria provided. Collection method: research. Allele origin: unknown. Affected: yes. Observed: 1 variant allele. Not counted in ClinVar's aggregate classification.

Literature cited by the submitters: PubMed 25133613 (cited by 4 submitters); PubMed 32188678 (cited by Women's Health and Genetics/Laboratory Corporation of America, LabCorp and Labcorp Genetics (formerly Invitae), Labcorp); PubMed 29625443 (cited by 3 submitters); PubMed 32675063 (cited by Women's Health and Genetics/Laboratory Corporation of America, LabCorp and Labcorp Genetics (formerly Invitae), Labcorp); PubMed 32037395 (cited by Women's Health and Genetics/Laboratory Corporation of America, LabCorp and Labcorp Genetics (formerly Invitae), Labcorp); PubMed 36729443 (cited by Women's Health and Genetics/Laboratory Corporation of America, LabCorp); PubMed 36110214 (cited by Women's Health and Genetics/Laboratory Corporation of America, LabCorp); PubMed 38219857 (cited by Women's Health and Genetics/Laboratory Corporation of America, LabCorp); PubMed 36464167 (cited by Women's Health and Genetics/Laboratory Corporation of America, LabCorp); PubMed 28041643 (cited by Labcorp Genetics (formerly Invitae), Labcorp and NIHR Bioresource Rare Diseases, University of Cambridge); PubMed 33090715 (cited by Labcorp Genetics (formerly Invitae), Labcorp); PubMed 33124170 (cited by Labcorp Genetics (formerly Invitae), Labcorp).

NM_206933.4(USH2A):c.8284C>G (p.Pro2762Ala)

Gene: USH2A (usherin; minus strand). Cytogenetic location: 1q41.
Variant type: single nucleotide variant.
Coding change: c.8284C>G on transcript NM_206933.4 (MANE Select); coding-DNA position 8284, C replaced by G.
Protein change: p.Pro2762Ala; replaces proline 2762 with alanine.
Molecular consequence: missense variant.
Genome position (GRCh38, 1-based): chr1:215,879,038, G>C on the plus strand (C>G on the coding strand, the complement: USH2A is on the minus strand). VCF-style: chr1-215879038-G-C. GRCh37 (hg19) VCF-style: chr1-216052380-G-C.
Other names: short protein forms P2762A.
Identifiers: ClinVar variation 438028 (VCV000438028.14), dbSNP rs1188281491, ClinGen allele CA344832484.